The following is an entry in ClinVar:

NM_002529.4(NTRK1):c.1519_1531dup (p.Val511fs)

Gene: NTRK1 (neurotrophic receptor tyrosine kinase 1; plus strand). Cytogenetic location: 1q23.1.
Variant type: Duplication.
Coding change: c.1519_1531dup on transcript NM_002529.4 (MANE Select); coding-DNA positions 1519 to 1531, 13 bases duplicated (CGCCGGGACATCG).
Protein change: p.Val511fs; shifts the reading frame from valine 511.
Molecular consequence: frameshift variant.
Genome position (GRCh38, 1-based): chr1:156,876,097-156,876,109, CGCCGGGACATCG duplicated; duplicating any 13 consecutive bases within chr1:156,876,096-156,876,109 gives the same sequence; the c. name uses the placement nearest the transcript's 3' end. VCF-style (leftmost placement, unchanged base first): chr1-156876095-A-AGCGCCGGGACATC. GRCh37 (hg19) VCF-style: chr1-156845887-A-AGCGCCGGGACATC.
Other names: c.1519_1531dup, p.Val511Alafs (NM_001007204.1); c.1411_1423dup, p.Val475fs (NM_001007792.1); c.1501_1513dup, p.Val505fs (NM_001012331.2); short protein forms V475fs, V511fs, V505fs.
Identifiers: ClinVar variation 2030533 (VCV002030533.4), dbSNP rs2525639606, ClinGen allele CA2580061229.

ClinVar aggregate classification (germline): Pathogenic (1 of 4 stars; one submission).

Conditions:
Hereditary insensitivity to pain with anhidrosis (CIPA). Also called: NTRK1 Congenital Insensitivity to Pain with Anhidrosis; FAMILIAL DYSAUTONOMIA, TYPE II; INSENSITIVITY TO PAIN, CONGENITAL, WITH ANHIDROSIS; HSAN Type IV; hereditary sensory and autonomic neuropathy type 4; NEUROPATHY, CONGENITAL SENSORY, WITH ANHIDROSIS. Identifiers: Orphanet 642, MedGen C0020074, MONDO:0009746, OMIM 256800.

Submission:

Labcorp Genetics (formerly Invitae), Labcorp
Classification: Pathogenic for Hereditary insensitivity to pain with anhidrosis. Last evaluated: 2022-09-14. Review status: criteria provided, single submitter. Criteria: Invitae Variant Classification Sherloc (09022015). Collection method: clinical testing. Allele origin: germline.
Comment: For these reasons, this variant has been classified as Pathogenic. This variant has not been reported in the literature in individuals affected with NTRK1-related conditions. This variant is not present in population databases (gnomAD no frequency). This sequence change creates a premature translational stop signal (p.Val505Alafs*22) in the NTRK1 gene. It is expected to result in an absent or disrupted protein product. Loss-of-function variants in NTRK1 are known to be pathogenic (PMID: 10982191).

Literature cited by the submitters: PubMed 10982191.